The following is an entry in ClinVar:

NM_018490.5(LGR4):c.267G>A (p.Ala89=)

Gene: LGR4 (leucine rich repeat containing G protein-coupled receptor 4; minus strand). Cytogenetic location: 11p14.1.
Variant type: single nucleotide variant.
Coding change: c.267G>A on transcript NM_018490.5 (MANE Select); coding-DNA position 267, G replaced by A.
Protein change: p.Ala89=; no amino-acid change (alanine 89 retained).
Molecular consequence: synonymous variant.
Genome position (GRCh38, 1-based): chr11:27,392,509, C>T on the plus strand (G>A on the coding strand, the complement: LGR4 is on the minus strand). VCF-style: chr11-27392509-C-T. GRCh37 (hg19) VCF-style: chr11-27414056-C-T.
Other names: NC_000011.9:g.27414056C>T; c.195G>A, p.Ala65= (NM_001346432.2).
Identifiers: ClinVar variation 2641695 (VCV002641695.25), dbSNP rs148473042, ClinGen allele CA5928780.

ClinVar aggregate classification (germline): Likely benign (1 of 4 stars; one submission).

Allele frequency attached by ClinVar (database versions not stated): 1000 Genomes Project 30x 0.00031; 1000 Genomes Project 0.00040; TOPMed 0.00080; gnomAD 0.00082; ESP Exome Variant Server 0.00108; ExAC 0.00140; gnomAD exomes 0.00151.
gnomAD v4.1: 2,251 of 1,576,388 alleles (0.14%); highest among the groups gnomAD compares: Non-Finnish European, 0.18%; 2 homozygotes.

Submissions (3):

CeGaT Center for Human Genetics Tuebingen
Classification: Likely benign. Last evaluated: 2026-04-01. Review status: criteria provided, single submitter. Criteria: CeGaT Center For Human Genetics Tuebingen Variant Classification Criteria Version 2. Collection method: clinical testing. Allele origin: germline. Affected: yes. Observed: 2 variant alleles.
Comment: LGR4: BP4, BP7

Dr. Peter K. Rogan Lab, Western University
No classification provided (evidence only). Condition: Hepatocellular carcinoma. Review status: no classification provided. Collection method: in vitro. Allele origin: not applicable. Functional consequence: retained intron. Not counted in ClinVar's aggregate classification.

Dr. Peter K. Rogan Lab, Western University
No classification provided (evidence only). Condition: Uterine carcinosarcoma. Review status: no classification provided. Collection method: in vitro. Allele origin: not applicable. Functional consequence: retained intron. Not counted in ClinVar's aggregate classification.